The following is an entry in ClinVar:

ClinVar aggregate classification (germline): Uncertain significance. Review status: criteria provided, multiple submitters, no conflicts (2 of 4 stars). 3 submissions from 3 submitters: Uncertain significance (3). Last evaluated 2025-02-06.

Conditions:
Cardiovascular phenotype. Identifiers: MedGen CN230736.
Familial hypobetalipoproteinemia 1. Also called: Hypobetalipoproteinemia, normotriglyceridemic; Acanthocytosis with hypobetalipoproteinemia; APOB-Related Familial Hypobetalipoproteinemia. Identifiers: MedGen C4551990, MONDO:0014252, OMIM 615558.
Hypercholesterolemia, autosomal dominant, type B (FHCL2). Also called: Familial Hypercholesterolemia Type B; HYPERCHOLESTEROLEMIA, FAMILIAL, DUE TO LIGAND-DEFECTIVE APOLIPOPROTEIN B; Familial hypercholesterolemia 2; APOB-Related Familial Hypercholesterolemia, Autosomal Dominant; APOLIPOPROTEIN B-100, FAMILIAL DEFECTIVE; APOLIPOPROTEIN B-100, FAMILIAL LIGAND-DEFECTIVE. Identifiers: MedGen C1704417, MONDO:0007751, OMIM 144010.

Allele frequency attached by ClinVar (database versions not stated): gnomAD 0.00001; TOPMed 0.00001.
gnomAD v4.1: 5 of 1,614,098 alleles (0.00031%); highest among the groups gnomAD compares: Non-Finnish European, 0.00042%; no homozygotes.

Submissions (3):

GeneDx
Classification: Uncertain significance. Last evaluated: 2025-02-06. Review status: criteria provided, single submitter. Criteria: GeneDx Variant Classification Process June 2021. Collection method: clinical testing. Allele origin: germline. Affected: yes.
Comment: Not observed at significant frequency in large population cohorts (gnomAD); In silico analysis supports that this missense variant has a deleterious effect on protein structure/function; Has not been previously published as pathogenic or benign to our knowledge; In silico analysis suggests this variant may impact gene splicing. In the absence of RNA/functional studies, the actual effect of this sequence change is unknown.

Ambry Genetics
Classification: Uncertain significance for Cardiovascular phenotype. Last evaluated: 2024-01-22. Review status: criteria provided, single submitter. Criteria: Ambry Variant Classification Scheme 2023. Collection method: clinical testing. Allele origin: germline.
Comment: The p.L406F variant (also known as c.1216C>T), located in coding exon 10 of the APOB gene, results from a C to T substitution at nucleotide position 1216. The leucine at codon 406 is replaced by phenylalanine, an amino acid with highly similar properties. This amino acid position is conserved. In addition, this alteration is predicted to be tolerated by in silico analysis. Based on the available evidence, the clinical significance of this alteration remains unclear.

Fulgent Genetics
Classification: Uncertain significance for Hypercholesterolemia, autosomal dominant, type B; Familial hypobetalipoproteinemia 1. Last evaluated: 2021-08-16. Review status: criteria provided, single submitter. Criteria: ACMG Guidelines, 2015. Collection method: clinical testing. Allele origin: unknown.

NM_000384.3(APOB):c.1216C>T (p.Leu406Phe)

Gene: APOB (apolipoprotein B; minus strand). Cytogenetic location: 2p24.1.
Variant type: single nucleotide variant.
Coding change: c.1216C>T on transcript NM_000384.3 (MANE Select); coding-DNA position 1216, C replaced by T.
Protein change: p.Leu406Phe; replaces leucine 406 with phenylalanine.
Molecular consequence: missense variant.
Genome position (GRCh38, 1-based): chr2:21,032,490, G>A on the plus strand (C>T on the coding strand, the complement: APOB is on the minus strand). VCF-style: chr2-21032490-G-A. GRCh37 (hg19) VCF-style: chr2-21255362-G-A.
Other names: short protein forms L406F.
Identifiers: ClinVar variation 918206 (VCV000918206.5), dbSNP rs1663905539, ClinGen allele CA345958128.
Genomic context (GRCh38, chr2:21,032,490, plus strand): 5'-GCTGCTGTGCTGAGGGCTCGGGGATCAGGGCCACCAGGTAGGTGACCACATCTATCAGAA[G>A]GGGGTTGGCATGCACACGTTTCAGCCACTGGAGGATGTGAGTGGAGCACTGAGGCTGTCC-3'
Protein context (NP_000375.3, residues 396-416): QWLKRVHANP[Leu406Phe]LIDVVTYLVA